The following is an entry in ClinVar:

ClinVar aggregate classification (germline): Uncertain significance (1 of 4 stars; one submission).

gnomAD v4.1: 1 of 1,605,076 alleles (0.000062%); no homozygotes.

Submission:

Labcorp Genetics (formerly Invitae), Labcorp
Classification: Uncertain significance. Last evaluated: 2024-08-29. Review status: criteria provided, single submitter. Criteria: Invitae Variant Classification Sherloc (09022015). Collection method: clinical testing. Allele origin: germline.
Comment: This sequence change replaces valine, which is neutral and non-polar, with leucine, which is neutral and non-polar, at codon 1200 of the ABCA4 protein (p.Val1200Leu). This variant is not present in population databases (gnomAD no frequency). This variant has not been reported in the literature in individuals affected with ABCA4-related conditions. Invitae Evidence Modeling of protein sequence and biophysical properties (such as structural, functional, and spatial information, amino acid conservation, physicochemical variation, residue mobility, and thermodynamic stability) indicates that this missense variant is not expected to disrupt ABCA4 protein function with a negative predictive value of 95%. In summary, the available evidence is currently insufficient to determine the role of this variant in disease. Therefore, it has been classified as a Variant of Uncertain Significance.

NM_000350.3(ABCA4):c.3598G>C (p.Val1200Leu)

Gene: ABCA4 (ATP binding cassette subfamily A member 4; minus strand). Cytogenetic location: 1p22.1.
Variant type: single nucleotide variant.
Coding change: c.3598G>C on transcript NM_000350.3 (MANE Select); coding-DNA position 3598, G replaced by C.
Protein change: p.Val1200Leu; replaces valine 1200 with leucine.
Molecular consequence: missense variant.
Genome position (GRCh38, 1-based): chr1:94,040,052, C>G on the plus strand (G>C on the coding strand, the complement: ABCA4 is on the minus strand). VCF-style: chr1-94040052-C-G. GRCh37 (hg19) VCF-style: chr1-94505608-C-G.
Other names: c.3376G>C, p.Val1126Leu (NM_001425324.1); short protein forms V1126L, V1200L.
Identifiers: ClinVar variation 3700919 (VCV003700919.2).
Genomic context (GRCh38, chr1:94,040,052, plus strand): 5'-CTGGGAGATGGCTGCCAGACGGAACCCAAGTATGGCCCGTCCAGTCCTTACCATCCAGGA[C>G]TTGTTCTGGAGTTAGGTCATCGACGTGGGCTGGACACGTGGTGGAGAAACCCTTAGACGA-3'
Protein context (NP_000341.2, residues 1190-1210): AHVDDLTPEQ[Val1200Leu]LDGDVNELMD